The following is an entry in ClinVar:

NM_001077653.2(TBX20):c.224C>A (p.Pro75Gln)

Gene: TBX20 (T-box transcription factor 20; minus strand). Cytogenetic location: 7p14.2.
Variant type: single nucleotide variant.
Coding change: c.224C>A on transcript NM_001077653.2 (MANE Select); coding-DNA position 224, C replaced by A.
Protein change: p.Pro75Gln; replaces proline 75 with glutamine.
Molecular consequence: missense variant.
Genome position (GRCh38, 1-based): chr7:35,250,107, G>T on the plus strand (C>A on the coding strand, the complement: TBX20 is on the minus strand). VCF-style: chr7-35250107-G-T. GRCh37 (hg19) VCF-style: chr7-35289719-G-T.
Other names: c.224C>A, p.Pro75Gln (NM_001166220.1); short protein forms P75Q.
Identifiers: ClinVar variation 1788391 (VCV001788391.4), dbSNP rs540565352, ClinGen allele CA367265223.
Genomic context (GRCh38, chr7:35,250,107, plus strand): 5'-TCACTGGGGATGATGGGGGTGGTGGGGATCAGTGGCTCAGTGCACAGAGAGGAGGAGGAC[G>T]GGCTGCTGCCACTGCCTCCACCAAACTCCCCATGAGCATCCAGGCTGGTCAGCTCACCCA-3'
Protein context (NP_001071121.1, residues 65-85): GEFGGGSGSS[Pro75Gln]SSSSLCTEPL

ClinVar aggregate classification (germline): Uncertain significance. Review status: criteria provided, multiple submitters, no conflicts (2 of 4 stars). 2 submissions from 2 submitters: Uncertain significance (2). Last evaluated 2024-07-19.

Conditions:
Cardiovascular phenotype. Identifiers: MedGen CN230736.

Allele frequency attached by ClinVar (database versions not stated): TOPMed below 0.00001.
gnomAD v4.1: 1 of 1,613,576 alleles (0.000062%); highest among the groups gnomAD compares: Non-Finnish European, 0.000085%; no homozygotes.

Submissions (2):

Labcorp Genetics (formerly Invitae), Labcorp
Classification: Uncertain significance. Last evaluated: 2024-07-19. Review status: criteria provided, single submitter. Criteria: Invitae Variant Classification Sherloc (09022015). Collection method: clinical testing. Allele origin: germline.
Comment: This sequence change replaces proline, which is neutral and non-polar, with glutamine, which is neutral and polar, at codon 75 of the TBX20 protein (p.Pro75Gln). This variant is not present in population databases (gnomAD no frequency). This variant has not been reported in the literature in individuals affected with TBX20-related conditions. ClinVar contains an entry for this variant (Variation ID: 1788391). An algorithm developed to predict the effect of missense changes on protein structure and function (PolyPhen-2) suggests that this variant is likely to be tolerated. In summary, the available evidence is currently insufficient to determine the role of this variant in disease. Therefore, it has been classified as a Variant of Uncertain Significance.

Ambry Genetics
Classification: Uncertain significance for Cardiovascular phenotype. Last evaluated: 2024-02-05. Review status: criteria provided, single submitter. Criteria: Ambry Variant Classification Scheme 2023. Collection method: clinical testing. Allele origin: germline.
Comment: The p.P75Q variant (also known as c.224C>A), located in coding exon 2 of the TBX20 gene, results from a C to A substitution at nucleotide position 224. The proline at codon 75 is replaced by glutamine, an amino acid with similar properties. This amino acid position is conserved. In addition, this alteration is predicted to be tolerated by in silico analysis. Since supporting evidence is limited at this time, the clinical significance of this alteration remains unclear.